The following is an entry in ClinVar:

ClinVar aggregate classification (germline): Uncertain significance (1 of 4 stars; one submission).

gnomAD v4.1: 17 of 1,612,642 alleles (0.0011%); highest among the groups gnomAD compares: Non-Finnish European, 0.0014%; no homozygotes.

Submission:

Women's Health and Genetics/Laboratory Corporation of America, LabCorp
Classification: Uncertain significance. Last evaluated: 2025-07-01. Review status: criteria provided, single submitter. Criteria: LabCorp Variant Classification Summary - May 2015. Collection method: clinical testing. Allele origin: germline.
Comment: Variant summary: SLC34A3 c.809G>A (p.Ser270Asn) results in a conservative amino acid change in the encoded protein sequence. Algorithms developed to predict the effect of missense changes on protein structure and function all suggest that this variant is likely to be tolerated. The variant allele was found at a frequency of 4e-06 in 250304 control chromosomes. The available data on variant occurrences in the general population are insufficient to allow any conclusion about variant significance. To our knowledge, no occurrence of c.809G>A in individuals affected with Hereditary Hypophosphatemic Rickets With Hypercalciuria and no experimental evidence demonstrating its impact on protein function have been reported. No submitters have cited clinical-significance assessments for this variant to ClinVar. Based on the evidence outlined above, the variant was classified as uncertain significance.

NM_001177316.2(SLC34A3):c.809G>A (p.Ser270Asn)

Gene: SLC34A3 (solute carrier family 34 member 3; plus strand). Cytogenetic location: 9q34.3.
Variant type: single nucleotide variant.
Coding change: c.809G>A on transcript NM_001177316.2 (MANE Select); coding-DNA position 809, G replaced by A.
Protein change: p.Ser270Asn; replaces serine 270 with asparagine.
Molecular consequence: missense variant.
Genome position (GRCh38, 1-based): chr9:137,233,685, G>A. VCF-style: chr9-137233685-G-A. GRCh37 (hg19) VCF-style: chr9-140128137-G-A.
Other names: c.809G>A, p.Ser270Asn (NM_001177317.2, NM_080877.3); short protein forms S270N.
Identifiers: ClinVar variation 3912035 (VCV003912035.2).